The following is an entry in ClinVar:

ClinVar aggregate classification (germline): Uncertain significance (1 of 4 stars; one submission).

Conditions:
Catecholaminergic polymorphic ventricular tachycardia 1. Also called: VENTRICULAR TACHYCARDIA, STRESS-INDUCED POLYMORPHIC 1; VENTRICULAR TACHYCARDIA, CATECHOLAMINERGIC POLYMORPHIC, 1, WITH OR WITHOUT ATRIAL DYSFUNCTION AND/OR DILATED CARDIOMYOPATHY; RYR2-Related Catecholaminergic Polymorphic Ventricular Tachycardia. Identifiers: Orphanet 3286, MedGen C1631597, MONDO:0011484, OMIM 604772.

Allele frequency attached by ClinVar (database versions not stated): gnomAD exomes below 0.00001.
gnomAD v4.1: 1 of 1,613,402 alleles (0.000062%); highest among the groups gnomAD compares: Admixed American, 0.0017%; no homozygotes.

Submission:

Labcorp Genetics (formerly Invitae), Labcorp
Classification: Uncertain significance for Catecholaminergic polymorphic ventricular tachycardia 1. Last evaluated: 2022-05-08. Review status: criteria provided, single submitter. Criteria: Invitae Variant Classification Sherloc (09022015). Collection method: clinical testing. Allele origin: germline.
Comment: This variant is not present in population databases (gnomAD no frequency). This variant has not been reported in the literature in individuals affected with RYR2-related conditions. Algorithms developed to predict the effect of missense changes on protein structure and function (SIFT, PolyPhen-2, Align-GVGD) all suggest that this variant is likely to be disruptive. This sequence change replaces cysteine, which is neutral and slightly polar, with arginine, which is basic and polar, at codon 1914 of the RYR2 protein (p.Cys1914Arg). In summary, the available evidence is currently insufficient to determine the role of this variant in disease. Therefore, it has been classified as a Variant of Uncertain Significance.

NM_001035.3(RYR2):c.5740T>C (p.Cys1914Arg)

Gene: RYR2 (ryanodine receptor 2; plus strand). Cytogenetic location: 1q43.
Variant type: single nucleotide variant.
Coding change: c.5740T>C on transcript NM_001035.3 (MANE Select); coding-DNA position 5740, T replaced by C.
Protein change: p.Cys1914Arg; replaces cysteine 1914 with arginine.
Molecular consequence: missense variant.
Genome position (GRCh38, 1-based): chr1:237,617,310, T>C. VCF-style: chr1-237617310-T-C. GRCh37 (hg19) VCF-style: chr1-237780610-T-C.
Other names: short protein forms C1914R.
Identifiers: ClinVar variation 2135348 (VCV002135348.4), dbSNP rs2546816495, ClinGen allele CA345406860.